The following is an entry in ClinVar:

NM_000051.4(ATM):c.8973C>A (p.Cys2991Ter)

Genes: ATM (ATM serine/threonine kinase; plus strand), C11orf65 (chromosome 11 open reading frame 65; minus strand). Cytogenetic location: 11q22.3.
Variant type: single nucleotide variant.
Coding change: c.8973C>A on transcript NM_000051.4 (MANE Select); coding-DNA position 8973, C replaced by A.
Protein change: p.Cys2991Ter; replaces cysteine 2991 with a stop codon.
Molecular consequence: nonsense. On other transcripts: intron variant (2).
Genome position (GRCh38, 1-based): chr11:108,365,204, C>A. VCF-style: chr11-108365204-C-A. GRCh37 (hg19) VCF-style: chr11-108235931-C-A.
Other names: c.8973C>A, p.Cys2991Ter (NM_001351834.2); c.640+20716G>T (NM_001330368.2); c.694+20716G>T (NM_001351110.2); short protein forms C2991*.
Identifiers: ClinVar variation 1456170 (VCV001456170.8), dbSNP rs2137886925, ClinGen allele CA382530387.

ClinVar aggregate classification (germline): Pathogenic (1 of 4 stars; one submission).

Conditions:
Ataxia-telangiectasia syndrome (AT). Also called: Ataxia-telangiectasia; LOUIS-BAR SYNDROME; Ataxia-telangiectasia, complementation group D; AT, COMPLEMENTATION GROUP C; ATAXIA-TELANGIECTASIA, COMPLEMENTATION GROUP A; ATAXIA-TELANGIECTASIA, FRESNO VARIANT. Identifiers: Orphanet 100, MedGen C0004135, MONDO:0008840, OMIM 208900.

Submission:

Labcorp Genetics (formerly Invitae), Labcorp
Classification: Pathogenic for Ataxia-telangiectasia syndrome. Last evaluated: 2020-11-11. Review status: criteria provided, single submitter. Criteria: Invitae Variant Classification Sherloc (09022015). Collection method: clinical testing. Allele origin: germline.
Comment: This variant has not been reported in the literature in individuals with ATM-related conditions. This sequence change creates a premature translational stop signal (p.Cys2991*) in the ATM gene. While this is not anticipated to result in nonsense mediated decay, it is expected to disrupt the last 66 amino acid(s) of the ATM protein. This variant is not present in population databases (ExAC no frequency). This variant disrupts the C-terminus of the ATM protein. Other variant(s) that disrupt this region (p.Arg2993*) have been determined to be pathogenic (PMID: 12815592, 23322442, 17124347, 16238588, 20840352). This suggests that variants that disrupt this region of the protein are likely to be causative of disease. For these reasons, this variant has been classified as Pathogenic.

Literature cited by the submitters: PubMed 12815592; PubMed 23322442; PubMed 17124347; PubMed 16238588; PubMed 20840352.